The following is an entry in ClinVar:

ClinVar aggregate classification (germline): Pathogenic/Likely pathogenic. Review status: criteria provided, multiple submitters, no conflicts (2 of 4 stars). 14 submissions from 14 submitters: Pathogenic (11); Likely pathogenic (1). 2 of the submissions do not count toward it. Last evaluated 2026-02-13.

Conditions:
PGAM2-related disorder. Also called: PGAM2-related condition.
Glycogen storage disease type X (GSD10). Also called: PGAMM DEFICIENCY; PHOSPHOGLYCERATE MUTASE, MUSCLE, DEFICIENCY OF; Dimauro disease; Glycogen storage disease due to phosphoglycerate mutase deficiency; GSD X; MYOPATHY DUE TO PHOSPHOGLYCERATE MUTASE DEFICIENCY. Identifiers: Orphanet 97234, MedGen C0268149, MONDO:0009865, OMIM 261670.

Allele frequency attached by ClinVar (database versions not stated): gnomAD 0.00166; 1000 Genomes Project 30x 0.00187; 1000 Genomes Project 0.00200; TOPMed 0.00244.
gnomAD v4.1: 618 of 1,613,696 alleles (0.038%); highest among the groups gnomAD compares: African/African-American, 0.75%; 5 homozygotes.

Submissions (14):

OLLIN Analises Genomicas, OLLIN
Classification: Pathogenic for Glycogen storage disease type X. Last evaluated: 2026-02-13. Review status: criteria provided, single submitter. Criteria: ACMG Guidelines 2015 PMID 25741868. Collection method: clinical testing. Allele origin: germline. Observed: 2 variant alleles.
Comment: PVS1, PM2_P, PP5, BP4

Labcorp Genetics (formerly Invitae), Labcorp
Classification: Pathogenic for Glycogen storage disease type X. Last evaluated: 2026-01-12. Review status: criteria provided, single submitter. Criteria: Invitae Variant Classification Sherloc (09022015). Collection method: clinical testing. Allele origin: germline.
Comment: This sequence change creates a premature translational stop signal (p.Trp78*) in the PGAM2 gene. It is expected to result in an absent or disrupted protein product. Loss-of-function variants in PGAM2 are known to be pathogenic (PMID: 8447317, 19273759). This variant is present in population databases (rs10250779, gnomAD 0.7%), and has an allele count higher than expected for a pathogenic variant. This premature translational stop signal has been observed in individuals with phosphoglycerate mutase deficiency (PMID: 8447317, 27612597). ClinVar contains an entry for this variant (Variation ID: 418). For these reasons, this variant has been classified as Pathogenic.

PreventionGenetics, part of Exact Sciences
Classification: Pathogenic for PGAM2-related condition. Last evaluated: 2025-11-19. Review status: criteria provided, single submitter. Criteria: ACMG Guidelines, 2015. Collection method: clinical testing. Allele origin: germline.
Comment: The PGAM2 c.233G>A variant is predicted to result in premature protein termination (p.Trp78*). This is the most commonly reported causative variant in patients with phosphoglycerate mutase enzyme deficiency (Tsujino et al. 1993. PubMed ID: 8447317; Salameh et al. 2013. PubMed ID: 23169535; Koo and Oskarsson. 2016. PubMed ID: 27612597). This variant has been reported primarily in patients of African descent, which is consistent with the relatively high minor allele frequency in this population in gnomAD. This variant is interpreted as pathogenic.

Revvity Omics, Revvity
Classification: Likely pathogenic for Glycogen storage disease type X. Last evaluated: 2025-01-28. Review status: criteria provided, single submitter. Criteria: ACMG Guidelines, 2015. Collection method: clinical testing. Allele origin: germline.

First Genomix Gene Laboratory, Genetic Diagnostics Department
Classification: Pathogenic for Glycogen storage disease type X. Last evaluated: 2025-01-14. Review status: criteria provided, single submitter. Criteria: ACMG Guidelines, 2015. Collection method: clinical testing. Allele origin: germline. Inheritance: Autosomal recessive inheritance. Affected: no. Observed: 1 variant allele.

Genomic Medicine Center of Excellence, King Faisal Specialist Hospital and Research Centre
Classification: Pathogenic for Glycogen storage disease type X. Last evaluated: 2024-03-25. Review status: criteria provided, single submitter. Criteria: ACMG Guidelines, 2015. Collection method: clinical testing. Allele origin: germline.

Mayo Clinic Laboratories, Mayo Clinic
Classification: Pathogenic. Last evaluated: 2024-02-20. Review status: criteria provided, single submitter. Criteria: ACMG Guidelines, 2015. Collection method: clinical testing. Allele origin: germline.
Comment: PP4, PS4_moderate, PVS1

Blueprint Genetics
Classification: Pathogenic for PGAM2-related disorders. Last evaluated: 2024-01-30. Review status: criteria provided, single submitter. Criteria: ACMG Guidelines, 2015. Collection method: clinical testing. Allele origin: germline. Affected: yes. Observed: 5 variant alleles.

Women's Health and Genetics/Laboratory Corporation of America, LabCorp
Classification: Pathogenic for Glycogen storage disease type X. Last evaluated: 2023-09-08. Review status: criteria provided, single submitter. Criteria: LabCorp Variant Classification Summary - May 2015. Collection method: clinical testing. Allele origin: germline.
Comment: Variant summary: PGAM2 c.233G>A (p.Trp78X) results in a premature termination codon, predicted to cause a truncation of the encoded protein or absence of the protein due to nonsense mediated decay, which are commonly known mechanisms for disease. The variant allele was found at a frequency of 0.00053 in 251076 control chromosomes in the gnomAD database, including 1 homozygotes c.233G>A has been reported in the literature in multiple individuals affected with Glycogen Storage Disease Type X (e.g. Tsujino_1993). These data indicate that the variant is very likely to be associated with disease. To our knowledge, no experimental evidence demonstrating an impact on protein function has been reported. Six submitters have cited clinical-significance assessments for this variant to ClinVar after 2014. All submitters classified the variant as pathogenic/likely pathogenic. Based on the evidence outlined above, the variant was classified as pathogenic.

GeneDx
Classification: Pathogenic. Last evaluated: 2022-01-06. Review status: criteria provided, single submitter. Criteria: GeneDx Variant Classification Process June 2021. Collection method: clinical testing. Allele origin: germline. Affected: yes.
Comment: The most common pathogenic variant identified in patients of African ancestry with PGAM deficiency, likely due to a founder effect (Koo et al., 2016); Nonsense variant predicted to result in protein truncation or nonsense mediated decay in a gene for which loss-of-function is a known mechanism of disease; This variant is associated with the following publications: (PMID: 8447317, 23169535, 27612597, 28944235, 19783439, 28492532, 6308514, 2987758, 31589614, 27535533)

Dasa
Classification: Pathogenic for Glycogen storage disease type X. Last evaluated: 2022-01-05. Review status: criteria provided, single submitter. Criteria: ACMG Guidelines, 2015. Collection method: clinical testing. Allele origin: germline. Affected: yes. Observed: 1 variant allele.
Comment: The c.233G>A;p.(Trp78*) variant creates a premature translational stop signal in the PGAM2 gene. It is expected to result in an absent or disrupted protein product -PVS1. This sequence change has been observed in affected individual(s) and ClinVar contains an entry for this variant (Clinvar ID: 418; PMID: 10545043; 16881065; 18852891; 19783439; 21444020; 23169535; 27612597) - PS4. The p.(Trp78*) was detected in trans with a pathogenic variant (PMID: 10545043; 16881065; 19783439; 27612597) - PM3_strong and is allele frequency is greater than expected for disorder - BS1. In summary, the currently available evidence indicates that the variant is pathogenic.

Eurofins Ntd Llc (ga)
Classification: Pathogenic. Last evaluated: 2014-12-29. Review status: criteria provided, single submitter. Criteria: EGL Classification Definitions 2015. Collection method: clinical testing. Allele origin: germline. Observed: 4 variant alleles, 4 heterozygotes.

Reproductive Health Research and Development, BGI Genomics
Classification: Pathogenic for Glycogen storage disease type X. Last evaluated: 2020-01-06. Review status: no assertion criteria provided. Collection method: curation. Allele origin: germline. Not counted in ClinVar's aggregate classification.
Comment: NM_000290.3:c.233G>A in the PGAM2 gene has an allele frequency of 0.007 in African subpopulation in the gnomAD database. Koo B et al. found compound heterozygous variants: c.233G>A, and c.278G>A in a patient with Phosphoglycerate mutase deficiency (PMID: 27612597). In addition, Tsujino S et al. found that three patients with phosphoglycerate mutase (PGAM) deficiency were homozygous for this nonsense variant (PMID: 8447317 ). The c.233G>A (p.Trp78*) variant in the PGAM2 gene results in a premature termination codon, predicted to cause a truncated or absent protein due to nonsense mediated decay. Taken together, we interprete this variant as Pathogenic/Likely pathogenic. ACMG/AMP Criteria applied: PVS1; PM3; PP4.

OMIM
Classification: Pathogenic for GLYCOGEN STORAGE DISEASE X. Last evaluated: 1993-03-01. Review status: no assertion criteria provided. Collection method: literature only. Allele origin: germline. Not counted in ClinVar's aggregate classification.

Literature cited by the submitters: PubMed 8447317 (cited by 5 submitters); PubMed 19273759 (cited by Labcorp Genetics (formerly Invitae), Labcorp); PubMed 27612597 (cited by Labcorp Genetics (formerly Invitae), Labcorp and Dasa); PubMed 16881065 (cited by Mayo Clinic Laboratories, Mayo Clinic and Dasa); PubMed 23169535 (cited by 3 submitters); PubMed 28944235 (cited by Mayo Clinic Laboratories, Mayo Clinic); PubMed 10545043 (cited by Dasa); PubMed 18852891 (cited by Dasa); PubMed 19783439 (cited by Dasa); PubMed 21444020 (cited by Dasa); PubMed 6308514 (cited by OMIM); PubMed 2987758 (cited by OMIM).

NM_000290.4(PGAM2):c.233G>A (p.Trp78Ter)

Genes: DBNL (drebrin like; plus strand), PGAM2 (phosphoglycerate mutase 2; minus strand), LOC129998343 (ATAC-STARR-seq lymphoblastoid active region 25926; plus strand). Cytogenetic location: 7p13.
Variant type: single nucleotide variant.
Coding change: c.233G>A on transcript NM_000290.4 (MANE Select); coding-DNA position 233, G replaced by A.
Protein change: p.Trp78Ter; replaces tryptophan 78 with a stop codon.
Molecular consequence: nonsense. On other transcripts: 3 prime UTR variant (6).
Genome position (GRCh38, 1-based): chr7:44,065,297, C>T on the plus strand (G>A on the coding strand, the complement: PGAM2 is on the minus strand). VCF-style: chr7-44065297-C-T. GRCh37 (hg19) VCF-style: chr7-44104896-C-T.
Other names: c.*4381C>T (NM_001014436.3, NM_001122956.2, NM_001284313.2 and 3 more transcripts); short protein forms W78*.
Identifiers: ClinVar variation 418 (VCV000000418.34), dbSNP rs10250779, ClinGen allele CA114258.